The following is an entry in ClinVar:

NM_000465.4(BARD1):c.562C>T (p.Pro188Ser)

Gene: BARD1 (BRCA1 associated RING domain 1; minus strand). Cytogenetic location: 2q35.
Variant type: single nucleotide variant.
Coding change: c.562C>T on transcript NM_000465.4 (MANE Select); coding-DNA position 562, C replaced by T.
Protein change: p.Pro188Ser; replaces proline 188 with serine.
Molecular consequence: missense variant. On other transcripts: non-coding transcript variant (2), intron variant (3).
Genome position (GRCh38, 1-based): chr2:214,781,312, G>A on the plus strand (C>T on the coding strand, the complement: BARD1 is on the minus strand). VCF-style: chr2-214781312-G-A. GRCh37 (hg19) VCF-style: chr2-215646036-G-A.
Other names: c.505C>T, p.Pro169Ser (NM_001282543.2); c.158+28100C>T (NM_001282548.2); c.215+15749C>T (NM_001282545.2); c.364+10985C>T (NM_001282549.2); short protein forms P188S, P169S.
Identifiers: ClinVar variation 232775 (VCV000232775.19), dbSNP rs373249008, ClinGen allele CA2090410.

ClinVar aggregate classification (germline): Conflicting classifications of pathogenicity. Review status: criteria provided, conflicting classifications (1 of 4 stars). 3 submissions from 3 submitters: Uncertain significance (2); Likely benign (1). Last evaluated 2025-08-14.

Conditions:
Hereditary cancer-predisposing syndrome. Also called: Neoplastic Syndromes, Hereditary; Tumor predisposition; Hereditary Cancer Syndrome; Hereditary neoplastic syndrome. Identifiers: Orphanet 140162, MedGen C0027672, MeSH D009386, MONDO:0015356.
Familial cancer of breast. Also called: BREAST CANCER, FAMILIAL; hereditary breast carcinoma; Hereditary breast cancer. Identifiers: Orphanet 227535, MedGen C0346153, MONDO:0016419, OMIM 114480. Disease mechanism: loss of function.

Allele frequency attached by ClinVar (database versions not stated): gnomAD exomes below 0.00001; ExAC 0.00001; TOPMed 0.00001; ESP Exome Variant Server 0.00008.
gnomAD v4.1: 2 of 1,611,936 alleles (0.00012%); highest among the groups gnomAD compares: Non-Finnish European, 0.00017%; no homozygotes.

Submissions (3):

Ambry Genetics
Classification: Likely benign for Hereditary cancer-predisposing syndrome. Last evaluated: 2025-08-14. Review status: criteria provided, single submitter. Criteria: Ambry Variant Classification Scheme 2023. Collection method: clinical testing. Allele origin: germline.

Labcorp Genetics (formerly Invitae), Labcorp
Classification: Uncertain significance for Familial cancer of breast. Last evaluated: 2025-07-22. Review status: criteria provided, single submitter. Criteria: Invitae Variant Classification Sherloc (09022015). Collection method: clinical testing. Allele origin: germline.
Comment: This sequence change replaces proline, which is neutral and non-polar, with serine, which is neutral and polar, at codon 188 of the BARD1 protein (p.Pro188Ser). This variant is present in population databases (rs373249008, gnomAD 0.007%). This missense change has been observed in individual(s) with breast cancer (PMID: 33646313). ClinVar contains an entry for this variant (Variation ID: 232775). An algorithm developed to predict the effect of missense changes on protein structure and function outputs the following: PolyPhen-2: "Benign". The serine amino acid residue is found in multiple mammalian species, which suggests that this missense change does not adversely affect protein function. In summary, the available evidence is currently insufficient to determine the role of this variant in disease. Therefore, it has been classified as a Variant of Uncertain Significance.

Color Diagnostics, LLC DBA Color Health
Classification: Uncertain significance for Hereditary cancer-predisposing syndrome. Last evaluated: 2024-07-30. Review status: criteria provided, single submitter. Criteria: ACMG Guidelines, 2015. Collection method: clinical testing. Allele origin: germline.
Comment: This missense variant replaces proline with serine at codon 188 of the BARD1 protein. Computational prediction suggests that this variant may not impact protein structure and function. To our knowledge, functional studies have not been reported for this variant. This variant has been reported in individuals affected with breast cancer (PMID: 32866190, 33646313). This variant has been identified in 1/249196 chromosomes in the general population by the Genome Aggregation Database (gnomAD). The available evidence is insufficient to determine the role of this variant in disease conclusively. Therefore, this variant is classified as a Variant of Uncertain Significance.

Literature cited by the submitters: PubMed 32866190 (cited by Ambry Genetics and Color Diagnostics, LLC DBA Color Health); PubMed 33646313 (cited by 3 submitters).